The following is an entry in ClinVar:

NM_022124.6(CDH23):c.971C>G (p.Thr324Ser)

Gene: CDH23 (cadherin related 23; plus strand). Cytogenetic location: 10q22.1.
Variant type: single nucleotide variant.
Coding change: c.971C>G on transcript NM_022124.6 (MANE Select); coding-DNA position 971, C replaced by G.
Protein change: p.Thr324Ser; replaces threonine 324 with serine.
Molecular consequence: missense variant.
Genome position (GRCh38, 1-based): chr10:71,617,230, C>G. VCF-style: chr10-71617230-C-G. GRCh37 (hg19) VCF-style: chr10-73376987-C-G.
Other names: c.971C>G, p.Thr324Ser (NM_001171930.2, NM_001171931.2, NM_001171932.2 and 1 more transcripts); short protein forms T324S.
Identifiers: ClinVar variation 1439721 (VCV001439721.4), dbSNP rs981901271, ClinGen allele CA209423975.

ClinVar aggregate classification (germline): Uncertain significance. Review status: criteria provided, multiple submitters, no conflicts (2 of 4 stars). 2 submissions from 2 submitters: Uncertain significance (2). Last evaluated 2026-02-13.

Allele frequency attached by ClinVar (database versions not stated): gnomAD 0.00001; gnomAD exomes 0.00001; TOPMed 0.00002.
gnomAD v4.1: 6 of 1,613,792 alleles (0.00037%); highest among the groups gnomAD compares: Admixed American, 0.0067%; no homozygotes.

Submissions (2):

Women's Health and Genetics/Laboratory Corporation of America, LabCorp
Classification: Uncertain significance. Last evaluated: 2026-02-13. Review status: criteria provided, single submitter. Criteria: LabCorp Variant Classification Summary - May 2015. Collection method: clinical testing. Allele origin: germline.
Comment: Variant summary: CDH23 c.971C>G (p.Thr324Ser) results in a conservative amino acid change in the encoded protein sequence. Algorithms developed to predict the effect of missense changes on protein structure and function are either unavailable or do not agree on the potential impact of this missense change. The variant allele was found at a frequency of 8e-06 in 249190 control chromosomes. The available data on variant occurrences in the general population are insufficient to allow any conclusion about variant significance. To our knowledge, no occurrence of c.971C>G in individuals affected with CDH23-related conditions and no experimental evidence demonstrating its impact on protein function have been reported. ClinVar contains an entry for this variant (Variation ID: 1439721). Based on the evidence outlined above, the variant was classified as uncertain significance.

Labcorp Genetics (formerly Invitae), Labcorp
Classification: Uncertain significance. Last evaluated: 2021-11-20. Review status: criteria provided, single submitter. Criteria: Invitae Variant Classification Sherloc (09022015). Collection method: clinical testing. Allele origin: germline.
Comment: This sequence change replaces threonine, which is neutral and polar, with serine, which is neutral and polar, at codon 324 of the CDH23 protein (p.Thr324Ser). This variant is present in population databases (no rsID available, gnomAD 0.006%). This variant has not been reported in the literature in individuals affected with CDH23-related conditions. Algorithms developed to predict the effect of missense changes on protein structure and function output the following: SIFT: "Tolerated"; PolyPhen-2: "Not Available"; Align-GVGD: "Class C0". The serine amino acid residue is found in multiple mammalian species, which suggests that this missense change does not adversely affect protein function. Algorithms developed to predict the effect of sequence changes on RNA splicing suggest that this variant may create or strengthen a splice site. In summary, the available evidence is currently insufficient to determine the role of this variant in disease. Therefore, it has been classified as a Variant of Uncertain Significance.